The following is an entry in ClinVar:

ClinVar aggregate classification (germline): Pathogenic (1 of 4 stars; one submission).

Submission:

Institute for Clinical Genetics, University Hospital TU Dresden, University Hospital TU Dresden
Classification: Pathogenic. Last evaluated: 2022-04-28. Review status: criteria provided, single submitter. Criteria: ACMG Guidelines, 2015. Collection method: clinical testing. Allele origin: germline.
Comment: PVS1, PP4, PM2_SUP

NM_004006.3(DMD):c.567del (p.Gln189fs)

Gene: DMD (dystrophin; minus strand). Cytogenetic location: Xp21.1.
Variant type: Deletion.
Coding change: c.567del on transcript NM_004006.3 (MANE Select); coding-DNA position 567, one base deleted (G; older notation c.567delG).
Protein change: p.Gln189fs; shifts the reading frame from glutamine 189.
Molecular consequence: frameshift variant.
Genome position (GRCh38, 1-based): chrX:32,809,575, C deleted on the plus strand (G on the coding strand, the reverse complement: DMD is on the minus strand). VCF-style (leftmost placement, unchanged base first): chrX-32809574-GC-G. GRCh37 (hg19) VCF-style: chrX-32827691-GC-G.
Other names: c.543del, p.Gln181fs (NM_000109.4); c.555del, p.Gln185fs (NM_004009.3); c.198del, p.Gln66fs (NM_004010.3); short protein forms Q181fs, Q185fs, Q189fs, Q66fs.
Identifiers: ClinVar variation 2575931 (VCV002575931.1), dbSNP rs2528034207, ClinGen allele CA2580616956.